The following is an entry in ClinVar:

ClinVar aggregate classification (germline): Uncertain significance (1 of 4 stars; one submission).

Submission:

Labcorp Genetics (formerly Invitae), Labcorp
Classification: Uncertain significance. Last evaluated: 2025-04-22. Review status: criteria provided, single submitter. Criteria: Invitae Variant Classification Sherloc (09022015). Collection method: clinical testing. Allele origin: germline.
Comment: This sequence change replaces glutamic acid, which is acidic and polar, with alanine, which is neutral and non-polar, at codon 277 of the HTRA1 protein (p.Glu277Ala). This variant is not present in population databases (gnomAD no frequency). This variant has not been reported in the literature in individuals affected with HTRA1-related conditions. Invitae Evidence Modeling of protein sequence and biophysical properties (such as structural, functional, and spatial information, amino acid conservation, physicochemical variation, residue mobility, and thermodynamic stability) has been performed for this missense variant. However, the output from this modeling did not meet the statistical confidence thresholds required to predict the impact of this variant on HTRA1 protein function. In summary, the available evidence is currently insufficient to determine the role of this variant in disease. Therefore, it has been classified as a Variant of Uncertain Significance.

NM_002775.5(HTRA1):c.830A>C (p.Glu277Ala)

Gene: HTRA1 (HtrA serine peptidase 1; plus strand). Cytogenetic location: 10q26.13.
Variant type: single nucleotide variant.
Coding change: c.830A>C on transcript NM_002775.5 (MANE Select); coding-DNA position 830, A replaced by C.
Protein change: p.Glu277Ala; replaces glutamic acid 277 with alanine.
Molecular consequence: missense variant.
Genome position (GRCh38, 1-based): chr10:122,506,743, A>C. VCF-style: chr10-122506743-A-C. GRCh37 (hg19) VCF-style: chr10-124266259-A-C.
Other names: short protein forms E277A.
Identifiers: ClinVar variation 4747116 (VCV004747116.1).